The following is an entry in ClinVar:

NM_000286.3(PEX12):c.541T>C (p.Tyr181His)

Gene: PEX12 (peroxisomal biogenesis factor 12; minus strand). Cytogenetic location: 17q12.
Variant type: single nucleotide variant.
Coding change: c.541T>C on transcript NM_000286.3 (MANE Select); coding-DNA position 541, T replaced by C.
Protein change: p.Tyr181His; replaces tyrosine 181 with histidine.
Molecular consequence: missense variant.
Genome position (GRCh38, 1-based): chr17:35,577,177, A>G on the plus strand (T>C on the coding strand, the complement: PEX12 is on the minus strand). VCF-style: chr17-35577177-A-G. GRCh37 (hg19) VCF-style: chr17-33904196-A-G.
Other names: short protein forms Y181H.
Identifiers: ClinVar variation 1995605 (VCV001995605.4), dbSNP rs2509169716, ClinGen allele CA399137909.

ClinVar aggregate classification (germline): Uncertain significance (1 of 4 stars; one submission).

Conditions:
Peroxisome biogenesis disorder 3A (Zellweger). Also called: PEROXISOMAL BIOGENESIS DISORDER 3A (ZELLWEGER); Peroxisome biogenesis disorder 3A. Identifiers: Orphanet 912, MedGen C3553929, MONDO:0013927, OMIM 614859.

Allele frequency attached by ClinVar (database versions not stated): gnomAD exomes below 0.00001.

Submission:

Labcorp Genetics (formerly Invitae), Labcorp
Classification: Uncertain significance for Peroxisome biogenesis disorder 3A (Zellweger). Last evaluated: 2022-07-31. Review status: criteria provided, single submitter. Criteria: Invitae Variant Classification Sherloc (09022015). Collection method: clinical testing. Allele origin: germline.
Comment: In summary, the available evidence is currently insufficient to determine the role of this variant in disease. Therefore, it has been classified as a Variant of Uncertain Significance. Algorithms developed to predict the effect of missense changes on protein structure and function (SIFT, PolyPhen-2, Align-GVGD) all suggest that this variant is likely to be disruptive. This variant has not been reported in the literature in individuals affected with PEX12-related conditions. This variant is not present in population databases (gnomAD no frequency). This sequence change replaces tyrosine, which is neutral and polar, with histidine, which is basic and polar, at codon 181 of the PEX12 protein (p.Tyr181His).